The following is an entry in ClinVar:

NM_032608.7(MYO18B):c.1805C>G (p.Thr602Ser)

Gene: MYO18B (myosin XVIIIB; plus strand). Cytogenetic location: 22q12.1.
Variant type: single nucleotide variant.
Coding change: c.1805C>G on transcript NM_032608.7 (MANE Select); coding-DNA position 1805, C replaced by G.
Protein change: p.Thr602Ser; replaces threonine 602 with serine.
Molecular consequence: missense variant.
Genome position (GRCh38, 1-based): chr22:25,772,446, C>G. VCF-style: chr22-25772446-C-G. GRCh37 (hg19) VCF-style: chr22-26168413-C-G.
Other names: c.1805C>G, p.Thr602Ser (NM_001318245.2); short protein forms T602S.
Identifiers: ClinVar variation 2050519 (VCV002050519.4), dbSNP rs367879764, ClinGen allele CA10159956.
Genomic context (GRCh38, chr22:25,772,446, plus strand): 5'-TCAACGAATCCAGTGTCCTGAACACGCTTCTGCAGCGCTACAAAGCTCAGCTGCTGCACA[C>G]CTGCACAGGGCCTGATCTGATTGTCCTCCAGCCCCGGGGGCCCTCGGTGCCTTCTGCAGG-3'
Protein context (NP_115997.5, residues 592-612): LQRYKAQLLH[Thr602Ser]CTGPDLIVLQ

ClinVar aggregate classification (germline): Uncertain significance (1 of 4 stars; one submission).

gnomAD v4.1: 5 of 1,614,022 alleles (0.00031%); highest among the groups gnomAD compares: Admixed American, 0.0083%; no homozygotes.

Submission:

Labcorp Genetics (formerly Invitae), Labcorp
Classification: Uncertain significance. Last evaluated: 2022-04-21. Review status: criteria provided, single submitter. Criteria: Invitae Variant Classification Sherloc (09022015). Collection method: clinical testing. Allele origin: germline.
Comment: This variant has not been reported in the literature in individuals affected with MYO18B-related conditions. In summary, the available evidence is currently insufficient to determine the role of this variant in disease. Therefore, it has been classified as a Variant of Uncertain Significance. Algorithms developed to predict the effect of missense changes on protein structure and function are either unavailable or do not agree on the potential impact of this missense change (SIFT: "Not Available"; PolyPhen-2: "Probably Damaging"; Align-GVGD: "Not Available"). This variant is present in population databases (rs367879764, gnomAD 0.01%). This sequence change replaces threonine, which is neutral and polar, with serine, which is neutral and polar, at codon 602 of the MYO18B protein (p.Thr602Ser).